The following is an entry in ClinVar:

NM_001042492.3(NF1):c.439_468dup (p.Arg156_Ile157insCysAsnAsnPheAsnAlaValPheSerArg)

Gene: NF1 (neurofibromin 1; plus strand). Cytogenetic location: 17q11.2.
Variant type: Duplication.
Coding change: c.439_468dup on transcript NM_001042492.3 (MANE Select); coding-DNA positions 439 to 468, 30 bases duplicated (TGCAACAACTTCAATGCAGTCTTTAGTCGC).
Protein change: p.Arg156_Ile157insCysAsnAsnPheAsnAlaValPheSerArg.
Molecular consequence: inframe insertion. On other transcripts: inframe indel (1).
Genome position (GRCh38, 1-based): chr17:31,163,336-31,163,365, TGCAACAACTTCAATGCAGTCTTTAGTCGC duplicated; duplicating any 30 consecutive bases within chr17:31,163,334-31,163,365 gives the same sequence; the c. name uses the placement nearest the transcript's 3' end. VCF-style (leftmost placement, unchanged base first): chr17-31163333-A-AGCTGCAACAACTTCAATGCAGTCTTTAGTC. GRCh37 (hg19) VCF-style: chr17-29490351-A-AGCTGCAACAACTTCAATGCAGTCTTTAGTC.
Other names: c.439_468dup, p.Arg156_Ile157insCysAsnAsnPheAsnAlaValPheSerArg (NM_000267.4, NM_001128147.3).
Identifiers: ClinVar variation 1369017 (VCV001369017.8), dbSNP rs2143673214, ClinGen allele CA2573153594.

ClinVar aggregate classification (germline): Uncertain significance (1 of 4 stars; one submission).

Conditions:
Neurofibromatosis, type 1 (NF1). Also called: Peripheral type neurofibromatosis; Neurofibromatosis, type I; NEUROFIBROMATOSIS, TYPE I, SOMATIC; VON RECKLINGHAUSEN DISEASE. Identifiers: Orphanet 636, MedGen C0027831, MONDO:0018975, OMIM 162200. Disease mechanism: loss of function.

Submission:

Labcorp Genetics (formerly Invitae), Labcorp
Classification: Uncertain significance for Neurofibromatosis, type 1. Last evaluated: 2021-07-21. Review status: criteria provided, single submitter. Criteria: Invitae Variant Classification Sherloc (09022015). Collection method: clinical testing. Allele origin: germline.
Comment: In summary, the available evidence is currently insufficient to determine the role of this variant in disease. Therefore, it has been classified as a Variant of Uncertain Significance. This variant, c.439_468dup, results in the insertion of 10 amino acid(s) to the NF1 protein (p.Cys147_Arg156dup), but otherwise preserves the integrity of the reading frame. This variant is not present in population databases (ExAC no frequency). This variant has not been reported in the literature in individuals affected with NF1-related conditions. Algorithms developed to predict the effect of sequence changes on RNA splicing suggest that this variant may create or strengthen a splice site.